The following is an entry in ClinVar:

NM_001378609.3(OTOGL):c.6424A>G (p.Ile2142Val)

Gene: OTOGL (otogelin like; plus strand). Cytogenetic location: 12q21.31.
Variant type: single nucleotide variant.
Coding change: c.6424A>G on transcript NM_001378609.3 (MANE Select); coding-DNA position 6424, A replaced by G.
Protein change: p.Ile2142Val; replaces isoleucine 2142 with valine.
Molecular consequence: missense variant.
Genome position (GRCh38, 1-based): chr12:80,367,653, A>G. VCF-style: chr12-80367653-A-G. GRCh37 (hg19) VCF-style: chr12-80761433-A-G.
Other names: c.6289A>G, p.Ile2097Val (NM_001368062.3); c.6424A>G, p.Ile2142Val (NM_001378610.3, NM_173591.7); short protein forms I2097V, I2142V.
Identifiers: ClinVar variation 1801153 (VCV001801153.2), dbSNP rs780839806, ClinGen allele CA6702038.

ClinVar aggregate classification (germline): Uncertain significance (1 of 4 stars; one submission).

Allele frequency attached by ClinVar (database versions not stated): ExAC 0.00007; gnomAD exomes 0.00001; TOPMed 0.00002.
gnomAD v4.1: 8 of 1,507,786 alleles (0.00053%); highest among the groups gnomAD compares: Admixed American, 0.013%; no homozygotes.

Submission:

GeneDx
Classification: Uncertain significance. Last evaluated: 2023-04-07. Review status: criteria provided, single submitter. Criteria: GeneDx Variant Classification Process June 2021. Collection method: clinical testing. Allele origin: germline.
Comment: In silico analysis supports that this missense variant does not alter protein structure/function; Has not been previously published as pathogenic or benign to our knowledge